The following is an entry in ClinVar:

ClinVar aggregate classification (germline): Benign/Likely benign. Review status: criteria provided, multiple submitters, no conflicts (2 of 4 stars). 4 submissions from 4 submitters: Benign (2); Likely benign (2). Last evaluated 2025-12-31.

Conditions:
Hereditary spastic paraplegia 75. Also called: Spastic paraplegia 75, autosomal recessive. Identifiers: Orphanet 459056, MedGen C4225250, MONDO:0014729, OMIM 616680.

Allele frequency attached by ClinVar (database versions not stated): gnomAD exomes 0.00090; ExAC 0.00107; 1000 Genomes Project 0.00319; gnomAD 0.00339 and 0.00364; TOPMed 0.00383; 1000 Genomes Project 30x 0.00390; ESP Exome Variant Server 0.00392.
gnomAD v4.1: 987 of 1,614,140 alleles (0.061%); highest among the groups gnomAD compares: African/African-American, 1.2%; 7 homozygotes.

Submissions (4):

Labcorp Genetics (formerly Invitae), Labcorp
Classification: Benign for Hereditary spastic paraplegia 75. Last evaluated: 2025-12-31. Review status: criteria provided, single submitter. Criteria: Invitae Variant Classification Sherloc (09022015). Collection method: clinical testing. Allele origin: germline.

CeGaT Center for Human Genetics Tuebingen
Classification: Likely benign. Last evaluated: 2025-11-01. Review status: criteria provided, single submitter. Criteria: CeGaT Center For Human Genetics Tuebingen Variant Classification Criteria Version 2. Collection method: clinical testing. Allele origin: germline. Affected: yes. Observed: 1 variant allele.
Comment: MAG: BS1

Blueprint Genetics
Classification: Likely benign. Last evaluated: 2024-11-26. Review status: criteria provided, single submitter. Criteria: ACMG Guidelines, 2015. Collection method: clinical testing. Allele origin: germline.

Breakthrough Genomics
Classification: Benign. Review status: criteria provided, single submitter. Criteria: ACMG Guidelines, 2015. Collection method: not provided. Allele origin: germline. Inheritance: Autosomal recessive inheritance. Affected: yes.

NM_002361.4(MAG):c.1799C>T (p.Ser600Leu)

Gene: MAG (myelin associated glycoprotein; plus strand). Cytogenetic location: 19q13.12.
Variant type: single nucleotide variant.
Coding change: c.1799C>T on transcript NM_002361.4 (MANE Select); coding-DNA position 1799, C replaced by T.
Protein change: p.Ser600Leu; replaces serine 600 with leucine.
Molecular consequence: missense variant. On other transcripts: 3 prime UTR variant (1).
Genome position (GRCh38, 1-based): chr19:35,313,372, C>T. VCF-style: chr19-35313372-C-T. GRCh37 (hg19) VCF-style: chr19-35804275-C-T.
Other names: c.1724C>T, p.Ser575Leu (NM_001199216.2); c.*95C>T (NM_080600.3); short protein forms S575L, S600L.
Identifiers: ClinVar variation 703827 (VCV000703827.19), dbSNP rs116643737, ClinGen allele CA9376425.